The following is an entry in ClinVar:

NM_133259.4(LRPPRC):c.3709+1G>T

Gene: LRPPRC (leucine rich pentatricopeptide repeat containing; minus strand). Cytogenetic location: 2p21.
Variant type: single nucleotide variant.
Coding change: c.3709+1G>T on transcript NM_133259.4 (MANE Select); the canonical splice donor site of the intron after coding-DNA position 3709, G replaced by T.
Molecular consequence: splice donor variant.
Genome position (GRCh38, 1-based): chr2:43,899,465, C>A on the plus strand (G>T on the coding strand, the complement: LRPPRC is on the minus strand). VCF-style: chr2-43899465-C-A. GRCh37 (hg19) VCF-style: chr2-44126604-C-A.
Identifiers: ClinVar variation 642991 (VCV000642991.7), dbSNP rs1572894465, ClinGen allele CA346676782.

ClinVar aggregate classification (germline): Likely pathogenic (1 of 4 stars; one submission).

Submission:

Labcorp Genetics (formerly Invitae), Labcorp
Classification: Likely pathogenic. Last evaluated: 2018-11-11. Review status: criteria provided, single submitter. Criteria: Invitae Variant Classification Sherloc (09022015). Collection method: clinical testing. Allele origin: germline.
Comment: In summary, the currently available evidence indicates that the variant is pathogenic, but additional data are needed to prove that conclusively. Therefore, this variant has been classified as Likely Pathogenic. Donor and acceptor splice site variants typically lead to a loss of protein function (PMID: 16199547), and loss-of-function variants in LRPPRC are known to be pathogenic (PMID: 26510951). Algorithms developed to predict the effect of sequence changes on RNA splicing suggest that this variant may disrupt the consensus splice site, but this prediction has not been confirmed by published transcriptional studies. This variant has not been reported in the literature in individuals with LRPPRC-related disease. This variant is not present in population databases (ExAC no frequency). This sequence change affects a donor splice site in intron 33 of the LRPPRC gene. It is expected to disrupt RNA splicing and likely results in an absent or disrupted protein product.

Literature cited by the submitters: PubMed 16199547; PubMed 26510951.